The following is an entry in ClinVar:

NM_015922.3(NSDHL):c.267+2T>C

Gene: NSDHL (NAD(P) dependent 3-beta-hydroxysteroid dehydrogenase NSDHL; plus strand). Cytogenetic location: Xq28.
Variant type: single nucleotide variant.
Coding change: c.267+2T>C on transcript NM_015922.3 (MANE Select); the canonical splice donor site of the intron after coding-DNA position 267, T replaced by C.
Molecular consequence: splice donor variant.
Genome position (GRCh38, 1-based): chrX:152,850,425, T>C. VCF-style: chrX-152850425-T-C. GRCh37 (hg19) VCF-style: chrX-152018969-T-C.
Other names: c.267+2T>C (NM_001129765.2).
Identifiers: ClinVar variation 1066388 (VCV001066388.9), dbSNP rs2125008883, ClinGen allele CA415284528.

ClinVar aggregate classification (germline): Likely pathogenic (1 of 4 stars; one submission).

Submissions (2):

Labcorp Genetics (formerly Invitae), Labcorp
Classification: Likely pathogenic. Last evaluated: 2020-02-04. Review status: criteria provided, single submitter. Criteria: Invitae Variant Classification Sherloc (09022015). Collection method: clinical testing. Allele origin: germline.
Comment: In summary, the currently available evidence indicates that the variant is pathogenic, but additional data are needed to prove that conclusively. Therefore, this variant has been classified as Likely Pathogenic. Donor and acceptor splice site variants typically lead to a loss of protein function (PMID: 16199547), and loss-of-function variants in NSDHL are known to be pathogenic (PMID: 10710235, 21129721). This variant has not been reported in the literature in individuals with NSDHL-related conditions. This variant is not present in population databases (ExAC no frequency). This sequence change affects a donor splice site in intron 3 of the NSDHL gene. It is expected to disrupt RNA splicing and likely results in an absent or disrupted protein product.

Dr. Peter K. Rogan Lab, Western University
No classification provided (evidence only). Condition: Malignant tumor of urinary bladder. Review status: no classification provided. Collection method: in vitro. Allele origin: not applicable. Functional consequence: skipped exon. Not counted in ClinVar's aggregate classification.

Literature cited by the submitters: PubMed 16199547 (cited by Labcorp Genetics (formerly Invitae), Labcorp); PubMed 10710235 (cited by Labcorp Genetics (formerly Invitae), Labcorp); PubMed 21129721 (cited by Labcorp Genetics (formerly Invitae), Labcorp).